The following is an entry in ClinVar:

ClinVar aggregate classification (germline): Uncertain significance. Review status: criteria provided, multiple submitters, no conflicts (2 of 4 stars). 2 submissions from 2 submitters: Uncertain significance (2). Last evaluated 2023-07-19.

Conditions:
Familial thoracic aortic aneurysm and aortic dissection (TAAD). Also called: Thoracic aortic aneurysms and dissections. Identifiers: Orphanet 91387, MedGen C4707243, MONDO:0019625.
Aneurysm-osteoarthritis syndrome. Also called: SMAD3-Related Loeys-Dietz Syndrome; Loeys-Dietz syndrome, type 1C; LOEYS-DIETZ SYNDROME WITH OSTEOARTHRITIS; ANEURYSMS-OSTEOARTHRITIS SYNDROME. Identifiers: Orphanet 284984, MedGen C3151087, MONDO:0013426, OMIM 613795.

Submissions (2):

All of Us Research Program, National Institutes of Health
Classification: Uncertain significance for Aneurysm-osteoarthritis syndrome. Last evaluated: 2023-07-19. Review status: criteria provided, single submitter. Criteria: ACMG Guidelines, 2015. Collection method: clinical testing. Allele origin: germline. Inheritance: Autosomal dominant inheritance. Observed: 1 variant allele, 1 heterozygote.
Comment: This missense variant replaces cysteine with tyrosine at codon 307 of the SMAD3 protein. Computational prediction suggests that this variant may have deleterious impact on protein structure and function (internally defined REVEL score threshold >= 0.7, PMID: 27666373). To our knowledge, functional studies have not been reported for this variant. This variant has not been reported in individuals affected with SMAD3-related disorders in the literature. This variant has not been identified in the general population by the Genome Aggregation Database (gnomAD). The available evidence is insufficient to determine the role of this variant in disease conclusively. Therefore, this variant is classified as a Variant of Uncertain Significance.

This study involves interpretation of variants in research participants for the purpose of population health screening. Participant phenotype was not available at the time of variant classification. Additional details can be found in publication PMID: 35346344, PMCID: PMC8962531

Color Diagnostics, LLC DBA Color Health
Classification: Uncertain significance for Familial thoracic aortic aneurysm and aortic dissection. Last evaluated: 2023-05-10. Review status: criteria provided, single submitter. Criteria: ACMG Guidelines, 2015. Collection method: clinical testing. Allele origin: germline.
Comment: This missense variant replaces cysteine with tyrosine at codon 307 of the SMAD3 protein. Computational prediction suggests that this variant may have deleterious impact on protein structure and function (internally defined REVEL score threshold >= 0.7, PMID: 27666373). To our knowledge, functional studies have not been reported for this variant. This variant has not been reported in individuals affected with SMAD3-related disorders in the literature. This variant has not been identified in the general population by the Genome Aggregation Database (gnomAD). The available evidence is insufficient to determine the role of this variant in disease conclusively. Therefore, this variant is classified as a Variant of Uncertain Significance.

NM_005902.4(SMAD3):c.920G>A (p.Cys307Tyr)

Gene: SMAD3 (SMAD family member 3; plus strand). Cytogenetic location: 15q22.33.
Variant type: single nucleotide variant.
Coding change: c.920G>A on transcript NM_005902.4 (MANE Select); coding-DNA position 920, G replaced by A.
Protein change: p.Cys307Tyr; replaces cysteine 307 with tyrosine.
Molecular consequence: missense variant. On other transcripts: intron variant (1).
Genome position (GRCh38, 1-based): chr15:67,184,775, G>A. VCF-style: chr15-67184775-G-A. GRCh37 (hg19) VCF-style: chr15-67477113-G-A.
Other names: c.605G>A, p.Cys202Tyr (NM_001145102.2, NM_001407016.1); c.788G>A, p.Cys263Tyr (NM_001145103.2, NM_001407012.1); c.335G>A, p.Cys112Tyr (NM_001145104.2, NM_001407017.1); c.920G>A, p.Cys307Tyr (NM_001407011.1); c.773G>A, p.Cys258Tyr (NM_001407014.1); c.473G>A, p.Cys158Tyr (NM_001407015.1); c.872-2590G>A (NM_001407013.1); short protein forms C158Y, C258Y, C202Y, C263Y, C307Y, C112Y.
Identifiers: ClinVar variation 2774514 (VCV002774514.3), dbSNP rs2505300267, ClinGen allele CA392956888.